The following is an entry in ClinVar:

ClinVar aggregate classification (germline): Benign (1 of 4 stars; one submission).

Conditions:
Progressive external ophthalmoplegia with mitochondrial DNA deletions, autosomal dominant 2. Also called: PROGRESSIVE EXTERNAL OPHTHALMOPLEGIA, AUTOSOMAL DOMINANT 2. Identifiers: MedGen C1836460, MONDO:0012238, OMIM 609283.

Allele frequency attached by ClinVar (database versions not stated): gnomAD 0.00533 and 0.00573; 1000 Genomes Project 30x 0.00593; 1000 Genomes Project 0.00599; TOPMed 0.00637.

Submission:

Illumina Laboratory Services, Illumina
Classification: Benign for Progressive external ophthalmoplegia with mitochondrial DNA deletions, autosomal dominant 2. Last evaluated: 2018-01-13. Review status: criteria provided, single submitter. Criteria: ICSL Variant Classification Criteria 13 December 2019. Collection method: clinical testing. Allele origin: germline.
Comment: This variant was observed in the ICSL laboratory as part of a predisposition screen in an ostensibly healthy population. It had not been previously curated by ICSL or reported in the Human Gene Mutation Database (HGMD: prior to June 1st, 2018), and was therefore a candidate for classification through an automated scoring system. Utilizing variant allele frequency, disease prevalence and penetrance estimates, and inheritance mode, an automated score was calculated to assess if this variant is too frequent to cause the disease. Based on the score and internal cut-off values, a variant classified as benign is not then subjected to further curation. The score for this variant resulted in a classification of benign for this disease.

NM_001151.4(SLC25A4):c.*2476G>A

Gene: SLC25A4 (solute carrier family 25 member 4; plus strand). Cytogenetic location: 4q35.1.
Variant type: single nucleotide variant.
Coding change: c.*2476G>A on transcript NM_001151.4 (MANE Select); 2476 bases downstream of the stop codon, G replaced by A.
Molecular consequence: 3 prime UTR variant.
Genome position (GRCh38, 1-based): chr4:185,149,447, G>A. VCF-style: chr4-185149447-G-A. GRCh37 (hg19) VCF-style: chr4-186070601-G-A.
Identifiers: ClinVar variation 348275 (VCV000348275.5), dbSNP rs76335670, ClinGen allele CA10620570.